The following is an entry in ClinVar:

ClinVar aggregate classification (germline): Uncertain significance (1 of 4 stars; one submission).

Allele frequency attached by ClinVar (database versions not stated): gnomAD exomes below 0.00001.

Submission:

Labcorp Genetics (formerly Invitae), Labcorp
Classification: Uncertain significance. Last evaluated: 2021-12-02. Review status: criteria provided, single submitter. Criteria: Invitae Variant Classification Sherloc (09022015). Collection method: clinical testing. Allele origin: germline.
Comment: This sequence change replaces arginine, which is basic and polar, with cysteine, which is neutral and slightly polar, at codon 354 of the NACC1 protein (p.Arg354Cys). This variant is present in population databases (no rsID available, gnomAD 0.0009%). This variant has not been reported in the literature in individuals affected with NACC1-related conditions. Algorithms developed to predict the effect of missense changes on protein structure and function are either unavailable or do not agree on the potential impact of this missense change (SIFT: "Deleterious"; PolyPhen-2: "Benign"; Align-GVGD: "Class C65"). In summary, the available evidence is currently insufficient to determine the role of this variant in disease. Therefore, it has been classified as a Variant of Uncertain Significance.

NM_052876.4(NACC1):c.1060C>T (p.Arg354Cys)

Gene: NACC1 (nucleus accumbens associated 1; plus strand). Cytogenetic location: 19p13.13.
Variant type: single nucleotide variant.
Coding change: c.1060C>T on transcript NM_052876.4 (MANE Select); coding-DNA position 1060, C replaced by T.
Protein change: p.Arg354Cys; replaces arginine 354 with cysteine.
Molecular consequence: missense variant.
Genome position (GRCh38, 1-based): chr19:13,136,345, C>T. VCF-style: chr19-13136345-C-T. GRCh37 (hg19) VCF-style: chr19-13247159-C-T.
Other names: short protein forms R354C.
Identifiers: ClinVar variation 1437181 (VCV001437181.6), dbSNP rs1421117990, ClinGen allele CA404327502.